The following is an entry in ClinVar:

NM_001903.5(CTNNA1):c.225G>C (p.Lys75Asn)

Gene: CTNNA1 (catenin alpha 1; plus strand). Cytogenetic location: 5q31.2.
Variant type: single nucleotide variant.
Coding change: c.225G>C on transcript NM_001903.5 (MANE Select); coding-DNA position 225, G replaced by C.
Protein change: p.Lys75Asn; replaces lysine 75 with asparagine.
Molecular consequence: missense variant. On other transcripts: intron variant (2).
Genome position (GRCh38, 1-based): chr5:138,783,296, G>C. VCF-style: chr5-138783296-G-C. GRCh37 (hg19) VCF-style: chr5-138118985-G-C.
Other names: c.225G>C (NM_001903.2); c.225G>C, p.Lys75Asn (NM_001290307.3, NM_001323982.2, NM_001323983.1 and 3 more transcripts); c.-6+24G>C (NM_001290310.3); c.-9+1267G>C (NM_001290309.3); short protein forms K75N.
Identifiers: ClinVar variation 643700 (VCV000643700.9), dbSNP rs1580984443, ClinGen allele CA361477525.
Genomic context (GRCh38, chr5:138,783,296, plus strand): 5'-TAAGAAGGCCCATGTTTTGGCTGCATCTGTTGAACAAGCAACTGAGAATTTCTTGGAGAA[G>C]GGGGATAAAATTGCGAAGGAGAGCCAGTTTCTCAAGGAGGAGCTTGTGGCTGCTGTAGAA-3'
Protein context (NP_001894.2, residues 65-85): VEQATENFLE[Lys75Asn]GDKIAKESQF

ClinVar aggregate classification (germline): Conflicting classifications of pathogenicity. Review status: criteria provided, conflicting classifications (1 of 4 stars). 3 submissions from 3 submitters: Uncertain significance (2); Likely benign (1). Last evaluated 2025-11-05.

Conditions:
Hereditary cancer-predisposing syndrome. Also called: Neoplastic Syndromes, Hereditary; Tumor predisposition; Hereditary neoplastic syndrome; Hereditary Cancer Syndrome. Identifiers: Orphanet 140162, MedGen C0027672, MeSH D009386, MONDO:0015356.

Submissions (3):

Ambry Genetics
Classification: Likely benign for Hereditary cancer-predisposing syndrome. Last evaluated: 2025-11-05. Review status: criteria provided, single submitter. Criteria: Ambry Variant Classification Scheme 2023. Collection method: clinical testing. Allele origin: germline.

GeneDx
Classification: Uncertain significance. Last evaluated: 2024-03-20. Review status: criteria provided, single submitter. Criteria: GeneDx Variant Classification Process June 2021. Collection method: clinical testing. Allele origin: germline. Affected: yes.
Comment: Not observed at significant frequency in large population cohorts (gnomAD); In silico analysis supports that this missense variant has a deleterious effect on protein structure/function; Has not been previously published as pathogenic or benign to our knowledge; This variant is associated with the following publications: (PMID: 32051609)

Labcorp Genetics (formerly Invitae), Labcorp
Classification: Uncertain significance. Last evaluated: 2023-11-17. Review status: criteria provided, single submitter. Criteria: Invitae Variant Classification Sherloc (09022015). Collection method: clinical testing. Allele origin: germline.
Comment: This sequence change replaces lysine, which is basic and polar, with asparagine, which is neutral and polar, at codon 75 of the CTNNA1 protein (p.Lys75Asn). This variant is not present in population databases (gnomAD no frequency). This variant has not been reported in the literature in individuals affected with CTNNA1-related conditions. ClinVar contains an entry for this variant (Variation ID: 643700). Advanced modeling of protein sequence and biophysical properties (such as structural, functional, and spatial information, amino acid conservation, physicochemical variation, residue mobility, and thermodynamic stability) performed at Invitae indicates that this missense variant is not expected to disrupt CTNNA1 protein function with a negative predictive value of 80%. In summary, the available evidence is currently insufficient to determine the role of this variant in disease. Therefore, it has been classified as a Variant of Uncertain Significance.